The following is an entry in ClinVar:

NM_001868.4(CPA1):c.88G>A (p.Val30Ile)

Gene: CPA1 (carboxypeptidase A1; plus strand). Cytogenetic location: 7q32.2.
Variant type: single nucleotide variant.
Coding change: c.88G>A on transcript NM_001868.4 (MANE Select); coding-DNA position 88, G replaced by A.
Protein change: p.Val30Ile; replaces valine 30 with isoleucine.
Molecular consequence: missense variant.
Genome position (GRCh38, 1-based): chr7:130,381,120, G>A. VCF-style: chr7-130381120-G-A. GRCh37 (hg19) VCF-style: chr7-130020961-G-A.
Other names: short protein forms V30I.
Identifiers: ClinVar variation 4006039 (VCV004006039.1).

ClinVar aggregate classification (germline): Uncertain significance (1 of 4 stars; one submission).

Conditions:
Hereditary pancreatitis (PCTT). Also called: Hereditary chronic pancreatitis; PRSS1-Related Hereditary Pancreatitis. Identifiers: Orphanet 676, MedGen C0238339, MONDO:0008185, OMIM 167800.

Submission:

Ambry Genetics
Classification: Uncertain significance for Hereditary pancreatitis. Last evaluated: 2025-03-27. Review status: criteria provided, single submitter. Criteria: Ambry Variant Classification Scheme 2023. Collection method: clinical testing. Allele origin: germline.
Comment: The p.V30I variant (also known as c.88G>A), located in coding exon 2 of the CPA1 gene, results from a G to A substitution at nucleotide position 88. The valine at codon 30 is replaced by isoleucine, an amino acid with highly similar properties. This amino acid position is conserved. In addition, this alteration is predicted to be tolerated by in silico analysis. Based on the available evidence, the clinical significance of this variant remains unclear.